The following is an entry in ClinVar:

ClinVar aggregate classification (germline): Likely benign. Review status: criteria provided, single submitter (1 of 4 stars). 2 submissions from 2 submitters: Likely benign (1). 1 of the submissions does not count toward it. Last evaluated 2024-12-16.

Conditions:
GMPPA-related disorder. Also called: GMPPA-related condition.
Alacrima, achalasia, and impaired intellectual development syndrome. Also called: Alacrima, achalasia, and intellectual disability syndrome; Alacrima, achalasia, and mental retardation syndrome. Identifiers: Orphanet 869, MedGen C4706563, MONDO:0014219, OMIM 615510.

Allele frequency attached by ClinVar (database versions not stated): 1000 Genomes Project 0.00040; 1000 Genomes Project 30x 0.00062.
gnomAD v4.1: 91 of 1,613,276 alleles (0.0056%); highest among the groups gnomAD compares: African/African-American, 0.017%; no homozygotes.

Submissions (2):

Labcorp Genetics (formerly Invitae), Labcorp
Classification: Likely benign for Alacrima, achalasia, and impaired intellectual development syndrome. Last evaluated: 2024-12-16. Review status: criteria provided, single submitter. Criteria: Invitae Variant Classification Sherloc (09022015). Collection method: clinical testing. Allele origin: germline.

PreventionGenetics, part of Exact Sciences
Classification: Likely benign for GMPPA-related condition. Last evaluated: 2019-08-26. Review status: no assertion criteria provided. Collection method: clinical testing. Allele origin: germline. Not counted in ClinVar's aggregate classification.
Comment: This variant is classified as likely benign based on ACMG/AMP sequence variant interpretation guidelines (Richards et al. 2015 PMID: 25741868, with internal and published modifications).

NM_013335.4(GMPPA):c.486C>T (p.His162=)

Genes: ASIC4-AS1 (ASIC4 antisense RNA 1; minus strand), GMPPA (GDP-mannose pyrophosphorylase A; plus strand). Cytogenetic location: 2q35.
Variant type: single nucleotide variant.
Coding change: c.486C>T on transcript NM_013335.4 (MANE Select); coding-DNA position 486, C replaced by T.
Protein change: p.His162=; no amino-acid change (histidine 162 retained).
Molecular consequence: synonymous variant.
Genome position (GRCh38, 1-based): chr2:219,502,438, C>T. VCF-style: chr2-219502438-C-T. GRCh37 (hg19) VCF-style: chr2-220367160-C-T.
Other names: c.486C>T (NM_205847.2); c.486C>T, p.His162= (NM_001374294.1, NM_001374295.1, NM_205847.3).
Identifiers: ClinVar variation 1640660 (VCV001640660.10), dbSNP rs36029384, ClinGen allele CA2128182.